The following is an entry in ClinVar:

ClinVar aggregate classification (germline): Uncertain significance (1 of 4 stars; one submission).

Submission:

Labcorp Genetics (formerly Invitae), Labcorp
Classification: Uncertain significance. Last evaluated: 2022-01-17. Review status: criteria provided, single submitter. Criteria: Invitae Variant Classification Sherloc (09022015). Collection method: clinical testing. Allele origin: germline.
Comment: In summary, the available evidence is currently insufficient to determine the role of this variant in disease. Therefore, it has been classified as a Variant of Uncertain Significance. Algorithms developed to predict the effect of missense changes on protein structure and function are either unavailable or do not agree on the potential impact of this missense change (SIFT: "Tolerated"; PolyPhen-2: "Probably Damaging"; Align-GVGD: "Class C15"). This variant has not been reported in the literature in individuals affected with PAX1-related conditions. This variant is not present in population databases (gnomAD no frequency). This sequence change replaces lysine, which is basic and polar, with asparagine, which is neutral and polar, at codon 422 of the PAX1 protein (p.Lys422Asn).

NM_001257096.2(PAX1):c.1266G>C (p.Lys422Asn)

Gene: PAX1 (paired box 1; plus strand). Cytogenetic location: 20p11.22.
Variant type: single nucleotide variant.
Coding change: c.1266G>C on transcript NM_001257096.2 (MANE Select); coding-DNA position 1266, G replaced by C.
Protein change: p.Lys422Asn; replaces lysine 422 with asparagine.
Molecular consequence: missense variant.
Genome position (GRCh38, 1-based): chr20:21,709,428, G>C. VCF-style: chr20-21709428-G-C. GRCh37 (hg19) VCF-style: chr20-21690066-G-C.
Other names: c.1266G>C, p.Lys422Asn (NM_006192.5); short protein forms K422N.
Identifiers: ClinVar variation 2087271 (VCV002087271.4), dbSNP rs1055460084, ClinGen allele CA408499689.